The following is an entry in ClinVar:

ClinVar aggregate classification (germline): Uncertain significance (1 of 4 stars; one submission).

Conditions:
Nemaline myopathy 6 (NEM6). Also called: Nemaline myopathy 6, autosomal dominant. Identifiers: Orphanet 171439, MedGen C1836472, MONDO:0012237, OMIM 609273.

Submission:

Labcorp Genetics (formerly Invitae), Labcorp
Classification: Uncertain significance for Nemaline myopathy 6. Last evaluated: 2021-12-11. Review status: criteria provided, single submitter. Criteria: Invitae Variant Classification Sherloc (09022015). Collection method: clinical testing. Allele origin: germline.
Comment: In summary, the available evidence is currently insufficient to determine the role of this variant in disease. Therefore, it has been classified as a Variant of Uncertain Significance. Experimental studies and prediction algorithms are not available or were not evaluated, and the functional significance of this variant is currently unknown. This variant has not been reported in the literature in individuals affected with KBTBD13-related conditions. This variant is not present in population databases (gnomAD no frequency). This sequence change creates a premature translational stop signal (p.Glu98*) in the KBTBD13 gene. While this is not anticipated to result in nonsense mediated decay, it is expected to disrupt the last 361 amino acid(s) of the KBTBD13 protein.

NM_001101362.3(KBTBD13):c.292G>T (p.Glu98Ter)

Gene: KBTBD13 (kelch repeat and BTB domain containing 13; plus strand). Cytogenetic location: 15q22.31.
Variant type: single nucleotide variant.
Coding change: c.292G>T on transcript NM_001101362.3 (MANE Select); coding-DNA position 292, G replaced by T.
Protein change: p.Glu98Ter; replaces glutamic acid 98 with a stop codon.
Molecular consequence: nonsense.
Genome position (GRCh38, 1-based): chr15:65,077,107, G>T. VCF-style: chr15-65077107-G-T. GRCh37 (hg19) VCF-style: chr15-65369445-G-T.
Other names: short protein forms E98*.
Identifiers: ClinVar variation 2193981 (VCV002193981.4), dbSNP rs752222694, ClinGen allele CA392859515.